The following is an entry in ClinVar:

ClinVar aggregate classification (germline): Uncertain significance (1 of 4 stars; one submission).

Conditions:
Alzheimer disease 3 (AD3). Also called: ALZHEIMER DISEASE, FAMILIAL, 3. Identifiers: Orphanet 1020, MedGen C1843013, MONDO:0011913, OMIM 607822.

gnomAD v4.1: 1 of 1,613,942 alleles (0.000062%); highest among the groups gnomAD compares: Non-Finnish European, 0.000085%; no homozygotes.

Submission:

3billion
Classification: Uncertain significance for Alzheimer disease 3. Last evaluated: 2025-05-27. Review status: criteria provided, single submitter. Criteria: ACMG Guidelines, 2015. Collection method: clinical testing. Allele origin: germline. Affected: yes.
Comment: The variant is observed at an extremely low frequency in the gnomAD v4.1.0 dataset (total allele frequency: <0.001%). Predicted Consequence/Location: Missense variant. Missense changes are a common disease-causing mechanism. In silico tool predictions suggest damaging effect of the variant on gene or gene product [3Cnet: 0.82 (> 0.75, sensitivity 0.96 and precision 0.92)]. Different missense changes at the same codon have been reported as of uncertain significance (ClinVar ID: VCV000648949). Therefore, this variant is classified as VUS according to the recommendation of ACMG/AMP guideline.

NM_000021.4(PSEN1):c.659G>T (p.Arg220Leu)

Gene: PSEN1 (presenilin 1; plus strand). Cytogenetic location: 14q24.2.
Variant type: single nucleotide variant.
Coding change: c.659G>T on transcript NM_000021.4 (MANE Select); coding-DNA position 659, G replaced by T.
Protein change: p.Arg220Leu; replaces arginine 220 with leucine.
Molecular consequence: missense variant.
Genome position (GRCh38, 1-based): chr14:73,192,754, G>T. VCF-style: chr14-73192754-G-T. GRCh37 (hg19) VCF-style: chr14-73659462-G-T.
Other names: c.647G>T, p.Arg216Leu (NM_007318.3); short protein forms R216L, R220L.
Identifiers: ClinVar variation 4854073 (VCV004854073.1).